The following is an entry in ClinVar:

ClinVar aggregate classification (germline): Uncertain significance (1 of 4 stars; one submission).

Conditions:
Inborn genetic diseases. Identifiers: MedGen C0950123, MeSH D030342.

Submission:

Ambry Genetics
Classification: Uncertain significance for Inborn genetic diseases. Last evaluated: 2025-05-05. Review status: criteria provided, single submitter. Criteria: Ambry Variant Classification Scheme 2023. Collection method: clinical testing. Allele origin: germline.
Comment: The p.E797A variant (also known as c.2390A>C), located in coding exon 13 of the ASXL1 gene, results from an A to C substitution at nucleotide position 2390. The glutamic acid at codon 797 is replaced by alanine, an amino acid with dissimilar properties. This amino acid position is conserved. In addition, this alteration is predicted to be tolerated by in silico analysis. Based on the available evidence, the clinical significance of this variant remains unclear.

NM_015338.6(ASXL1):c.2390A>C (p.Glu797Ala)

Gene: ASXL1 (ASXL transcriptional regulator 1; plus strand). Cytogenetic location: 20q11.21.
Variant type: single nucleotide variant.
Coding change: c.2390A>C on transcript NM_015338.6 (MANE Select); coding-DNA position 2390, A replaced by C.
Protein change: p.Glu797Ala; replaces glutamic acid 797 with alanine.
Molecular consequence: missense variant.
Genome position (GRCh38, 1-based): chr20:32,435,102, A>C. VCF-style: chr20-32435102-A-C. GRCh37 (hg19) VCF-style: chr20-31022905-A-C.
Other names: c.2207A>C, p.Glu736Ala (NM_001363734.1); short protein forms E797A, E736A.
Identifiers: ClinVar variation 3956673 (VCV003956673.1).